The following is an entry in ClinVar:

ClinVar aggregate classification (germline): Pathogenic (1 of 4 stars; one submission).

Conditions:
Hereditary spastic paraplegia 11. Also called: Nakamura Osame syndrome; Autosomal recessive hereditary spastic paraplegia, mental impairment, and thin corpus callosum; SPASTIC PARAPLEGIA, AUTOSOMAL RECESSIVE, COMPLICATED, WITH THIN CORPUS CALLOSUM; SPASTIC PARAPLEGIA, AUTOSOMAL RECESSIVE, WITH MENTAL IMPAIRMENT AND THIN CORPUS CALLOSUM; Spastic Paraplegia 11; Spastic paraplegia, mental retardation and thin corpus callosum. Identifiers: Orphanet 2822, MedGen C1858479, MONDO:0011445, OMIM 604360.

Submission:

Labcorp Genetics (formerly Invitae), Labcorp
Classification: Pathogenic for Hereditary spastic paraplegia 11. Last evaluated: 2022-11-25. Review status: criteria provided, single submitter. Criteria: Invitae Variant Classification Sherloc (09022015). Collection method: clinical testing. Allele origin: germline.
Comment: This sequence change creates a premature translational stop signal (p.Leu1606*) in the SPG11 gene. It is expected to result in an absent or disrupted protein product. Loss-of-function variants in SPG11 are known to be pathogenic (PMID: 19105190, 20110243, 22154821, 26556829). For these reasons, this variant has been classified as Pathogenic. This variant has not been reported in the literature in individuals affected with SPG11-related conditions. This variant is not present in population databases (gnomAD no frequency).

Literature cited by the submitters: PubMed 19105190; PubMed 20110243; PubMed 22154821; PubMed 26556829.

NM_025137.4(SPG11):c.4817del (p.Leu1605_Leu1606insTer)

Gene: SPG11 (SPG11 vesicle trafficking associated, spatacsin; minus strand). Cytogenetic location: 15q21.1.
Variant type: Deletion.
Coding change: c.4817del on transcript NM_025137.4 (MANE Select); coding-DNA position 4817, one base deleted (T; older notation c.4817delT).
Protein change: p.Leu1605_Leu1606insTer.
Molecular consequence: nonsense.
Genome position (GRCh38, 1-based): chr15:44,589,341, A deleted on the plus strand (T on the coding strand, the reverse complement: SPG11 is on the minus strand); the first of 4 consecutive A bases (chr15:44,589,341-44,589,344); deleting any one gives the same sequence. VCF-style (leftmost placement, unchanged base first): chr15-44589340-CA-C. GRCh37 (hg19) VCF-style: chr15-44881538-CA-C.
Other names: c.4817del, p.Leu1605_Leu1606insTer (NM_001160227.2, NM_001411132.1).
Identifiers: ClinVar variation 2807703 (VCV002807703.3), dbSNP rs2505324938, ClinGen allele CA2739279543.
Genomic context (GRCh38, chr15:44,589,340, plus strand): 5'-AAAGAGCTGTAAAAGCTTCCCCAGCTCATACTGGGTCTTACACTGCTGTAGCATAAGCTT[CA>C]AAAGGAAACACACCTGATCCTCCAGCCACATGGCAGGGATGACAGGGTGGACCTTTGTGG-3'